The following is an entry in ClinVar:

ClinVar aggregate classification (germline): Uncertain significance. Review status: criteria provided, multiple submitters, no conflicts (2 of 4 stars). 2 submissions from 2 submitters: Uncertain significance (2). Last evaluated 2020-12-25.

Conditions:
Autosomal recessive ataxia, Beauce type. Also called: SYNE1-Related Autosomal Recessive Cerebellar Ataxia; ATAXIA, RECESSIVE, OF BEAUCE; SYNE1 Deficiency; Spinocerebellar ataxia, autosomal recessive 8. Identifiers: Orphanet 88644, MedGen C1853116, MONDO:0012549, OMIM 610743.
Emery-Dreifuss muscular dystrophy 4, autosomal dominant (EDMD4). Also called: EMERY-DREIFUSS MUSCULAR DYSTROPHY 4 WITH VARIABLE FEATURES. Identifiers: Orphanet 261, MedGen C2751807, MONDO:0013071, OMIM 612998.

Allele frequency attached by ClinVar (database versions not stated): TOPMed 0.00002.
gnomAD v4.1: 3 of 1,614,140 alleles (0.00019%); highest among the groups gnomAD compares: Non-Finnish European, 0.00025%; no homozygotes.

Submissions (2):

Labcorp Genetics (formerly Invitae), Labcorp
Classification: Uncertain significance for Emery-Dreifuss muscular dystrophy 4, autosomal dominant; Autosomal recessive ataxia, Beauce type. Last evaluated: 2020-12-25. Review status: criteria provided, single submitter. Criteria: Invitae Variant Classification Sherloc (09022015). Collection method: clinical testing. Allele origin: germline.
Comment: In summary, the available evidence is currently insufficient to determine the role of this variant in disease. Therefore, it has been classified as a Variant of Uncertain Significance. Algorithms developed to predict the effect of missense changes on protein structure and function (SIFT, PolyPhen-2, Align-GVGD) all suggest that this variant is likely to be tolerated, but these predictions have not been confirmed by published functional studies and their clinical significance is uncertain. This variant has not been reported in the literature in individuals with SYNE1-related conditions. ClinVar contains an entry for this variant (Variation ID: 810022). This variant is not present in population databases (ExAC no frequency). This sequence change replaces aspartic acid with glycine at codon 3882 of the SYNE1 protein (p.Asp3882Gly). The aspartic acid residue is moderately conserved and there is a moderate physicochemical difference between aspartic acid and glycine.

CeGaT Center for Human Genetics Tuebingen
Classification: Uncertain significance. Last evaluated: 2019-06-01. Review status: criteria provided, single submitter. Criteria: CeGaT Center For Human Genetics Tuebingen Variant Classification Criteria Version 2. Collection method: clinical testing. Allele origin: germline. Affected: yes. Observed: 1 variant allele.

NM_182961.4(SYNE1):c.11690A>G (p.Asp3897Gly)

Gene: SYNE1 (spectrin repeat containing nuclear envelope protein 1; minus strand). Cytogenetic location: 6q25.2.
Variant type: single nucleotide variant.
Coding change: c.11690A>G on transcript NM_182961.4 (MANE Select); coding-DNA position 11690, A replaced by G.
Protein change: p.Asp3897Gly; replaces aspartic acid 3897 with glycine.
Molecular consequence: missense variant.
Genome position (GRCh38, 1-based): chr6:152,350,661, T>C on the plus strand (A>G on the coding strand, the complement: SYNE1 is on the minus strand). VCF-style: chr6-152350661-T-C. GRCh37 (hg19) VCF-style: chr6-152671796-T-C.
Other names: c.11645A>G, p.Asp3882Gly (NM_033071.5); short protein forms D3882G, D3897G.
Identifiers: ClinVar variation 810022 (VCV000810022.48), dbSNP rs935958519, ClinGen allele CA150197524.